The following is an entry in ClinVar:

ClinVar aggregate classification (germline): Uncertain significance (1 of 4 stars; one submission).

Submission:

Genetic Services Laboratory, University of Chicago
Classification: Uncertain significance. Last evaluated: 2021-11-22. Review status: criteria provided, single submitter. Criteria: ACMG Guidelines, 2015. Collection method: clinical testing. Allele origin: germline. Affected: no.
Comment: DNA sequence analysis of the MECOM demonstrated a 3 base pair deletion in exon 14, c.2675_2677del. This in-frame duplication/deletion is predicted to result in the deletion of an amino acid residue, p.Glu892del. This deletion does not appear to have been previously described in individuals with MECOM -related disorders. This deletion has not been described in the population databases such as ExAC and gnomAD. The p.Glu892 amino acid residue appears to be highly conserved in species, but does not appear to occur in a known functional domain. The functional significance of this sequence change is not known at present and its contribution to this individual's disease phenotype cannot definitively be determined.

NM_004991.4(MECOM):c.3236AAG[1] (p.Glu1080del)

Gene: MECOM (MDS1 and EVI1 complex locus; minus strand). Cytogenetic location: 3q26.2.
Variant type: Microsatellite.
Coding change: c.3236AAG[1] on transcript NM_004991.4 (MANE Select); one copy of the 3-base unit AAG starting at c.3236; the reference has two copies in a row; one copy, 3 bases deleted.
Protein change: p.Glu1080del; deletes glutamic acid 1080.
Molecular consequence: inframe deletion.
Genome position (GRCh38, 1-based): chr3:169,090,160-169,090,162, CTT deleted on the plus strand (AAG on the coding strand, the reverse complement: MECOM is on the minus strand); deleting any 3 consecutive bases within chr3:169,090,160-169,090,166 gives the same sequence; the position shown is the placement nearest the transcript's 3' end. VCF-style (leftmost placement, unchanged base first): chr3-169090159-ACTT-A. GRCh37 (hg19) VCF-style: chr3-168807947-ACTT-A.
Other names: c.2867AAG[1], p.Glu957del (NM_001105077.4); c.2672AAG[1], p.Glu892del (NM_001105078.4, NM_001205194.2, NM_001366469.2 and 1 more transcripts); c.2648AAG[1], p.Glu884del (NM_001163999.2, NM_001366470.2); c.2645AAG[1], p.Glu883del (NM_001164000.2, NM_001366471.2, NM_001366472.2); c.3209AAG[1], p.Glu1071del (NM_001366466.2); c.2675AAG[1], p.Glu893del (NM_001366467.2, NM_001366468.2); c.2237AAG[1], p.Glu747del (NM_001366473.2); c.1673AAG[1], p.Glu559del (NM_001366474.2); short protein forms E1071del, E1080del, E559del, E747del, E883del, E884del, E892del, E893del.
Identifiers: ClinVar variation 1338141 (VCV001338141.4), dbSNP rs2148850095, ClinGen allele CA2580616008.